The following is an entry in ClinVar:

ClinVar aggregate classification (germline): Conflicting classifications of pathogenicity. Review status: criteria provided, conflicting classifications (1 of 4 stars). 5 submissions from 5 submitters: Uncertain significance (4); Likely benign (1). Last evaluated 2026-09-15.

Conditions:
Febrile seizures, familial, 4 (FEB4). Also called: CONVULSIONS, FAMILIAL FEBRILE, 4. Identifiers: MedGen C1858493, MONDO:0011443, OMIM 604352.
ADGRV1-related disorder. Also called: ADGRV1-related disorders; ADGRV1-related condition.

Allele frequency attached by ClinVar (database versions not stated): gnomAD 0.00011; ExAC 0.00029; ESP Exome Variant Server 0.00016; gnomAD exomes 0.00008 and 0.00014; TOPMed 0.00016.
gnomAD v4.1: 135 of 1,611,220 alleles (0.0084%); highest among the groups gnomAD compares: African/African-American, 0.015%; no homozygotes.

Submissions (5):

PreventionGenetics, part of Exact Sciences
Classification: Uncertain significance for ADGRV1-related condition. Last evaluated: 2026-09-15. Review status: criteria provided, single submitter. Criteria: ACMG Guidelines, 2015. Collection method: clinical testing. Allele origin: germline.
Comment: The ADGRV1 c.11338C>T variant is predicted to result in the amino acid substitution p.Arg3780Cys. To our knowledge, this variant has not been reported in the literature. This variant is reported in 0.023% of alleles in individuals of European (Non-Finnish) descent in gnomAD. At this time, the clinical significance of this variant is uncertain due to the absence of conclusive functional and genetic evidence.

GeneDx
Classification: Uncertain significance. Last evaluated: 2026-03-23. Review status: criteria provided, single submitter. Criteria: GeneDx Variant Classification Process June 2021. Collection method: clinical testing. Allele origin: germline.
Comment: In silico analysis suggests that this missense variant does not alter protein structure/function; Has not been previously published as pathogenic or benign to our knowledge

Labcorp Genetics (formerly Invitae), Labcorp
Classification: Likely benign. Last evaluated: 2026-01-28. Review status: criteria provided, single submitter. Criteria: Invitae Variant Classification Sherloc (09022015). Collection method: clinical testing. Allele origin: germline.

Blueprint Genetics
Classification: Uncertain significance. Last evaluated: 2024-08-06. Review status: criteria provided, single submitter. Criteria: ACMG Guidelines, 2015. Collection method: clinical testing. Allele origin: germline.

Genetic Services Laboratory, University of Chicago
Classification: Uncertain significance for Febrile seizures, familial, 4. Last evaluated: 2013-10-24. Review status: criteria provided, single submitter. Criteria: ACMG Guidelines, 2007. Collection method: clinical testing. Allele origin: germline. Inheritance: Autosomal dominant inheritance.

NM_032119.4(ADGRV1):c.11338C>T (p.Arg3780Cys)

Gene: ADGRV1 (adhesion G protein-coupled receptor V1; plus strand). Cytogenetic location: 5q14.3.
Variant type: single nucleotide variant.
Coding change: c.11338C>T on transcript NM_032119.4 (MANE Select); coding-DNA position 11338, C replaced by T.
Protein change: p.Arg3780Cys; replaces arginine 3780 with cysteine.
Molecular consequence: missense variant. On other transcripts: non-coding transcript variant (1).
Genome position (GRCh38, 1-based): chr5:90,753,790, C>T. VCF-style: chr5-90753790-C-T. GRCh37 (hg19) VCF-style: chr5-90049607-C-T.
Other names: short protein forms R3780C.
Identifiers: ClinVar variation 158644 (VCV000158644.16), dbSNP rs201742794, ClinGen allele CA233296.
Genomic context (GRCh38, chr5:90,753,790, plus strand): 5'-AGAAGCAAGTCTGTTATAACAACTTTGCCCAATGACTCACCTTTTGGCTTGGTGGGCTGG[C>T]GTGCTGCGTCTGTCTTCATTAGAGTAGCAGAGCCTAAAGGTAAATATTGTTAAATATCTT-3'
Protein context (NP_115495.3, residues 3770-3790): NDSPFGLVGW[Arg3780Cys]AASVFIRVAE